The following is an entry in ClinVar:

ClinVar aggregate classification (germline): Likely benign. Review status: criteria provided, multiple submitters, no conflicts (2 of 4 stars). 3 submissions from 3 submitters: Likely benign (3). Last evaluated 2025-01-16.

Conditions:
WDPCP-related disorder. Also called: WDPCP-related condition.

gnomAD v4.1: 3 of 1,612,712 alleles (0.00019%); highest among the groups gnomAD compares: South Asian, 0.0011%; no homozygotes.

Submissions (3):

PreventionGenetics, part of Exact Sciences
Classification: Likely benign for WDPCP-related condition. Last evaluated: 2025-01-16. Review status: criteria provided, single submitter. Criteria: ACMG Guidelines, 2015. Collection method: clinical testing. Allele origin: germline.
Comment: This variant is classified as likely benign based on ACMG/AMP sequence variant interpretation guidelines (Richards et al. 2015 PMID: 25741868, with internal and published modifications).

Blueprint Genetics
Classification: Likely benign. Last evaluated: 2023-12-15. Review status: criteria provided, single submitter. Criteria: ACMG Guidelines, 2015. Collection method: clinical testing. Allele origin: germline.

CeGaT Center for Human Genetics Tuebingen
Classification: Likely benign. Last evaluated: 2023-04-01. Review status: criteria provided, single submitter. Criteria: CeGaT Center For Human Genetics Tuebingen Variant Classification Criteria Version 2. Collection method: clinical testing. Allele origin: germline. Affected: yes. Observed: 1 variant allele.
Comment: WDPCP: BP4, BP7

NM_015910.7(WDPCP):c.2169G>A (p.Leu723=)

Gene: WDPCP (WD repeat containing planar cell polarity effector; minus strand). Cytogenetic location: 2p15.
Variant type: single nucleotide variant.
Coding change: c.2169G>A on transcript NM_015910.7 (MANE Select); coding-DNA position 2169, G replaced by A.
Protein change: p.Leu723=; no amino-acid change (leucine 723 retained).
Molecular consequence: synonymous variant. On other transcripts: non-coding transcript variant (3).
Genome position (GRCh38, 1-based): chr2:63,152,935, C>T on the plus strand (G>A on the coding strand, the complement: WDPCP is on the minus strand). VCF-style: chr2-63152935-C-T. GRCh37 (hg19) VCF-style: chr2-63380070-C-T.
Other names: c.1692G>A, p.Leu564= (NM_001042692.3); c.2097G>A, p.Leu699= (NM_001354044.2); c.2169G>A (NM_015910.5).
Identifiers: ClinVar variation 2650993 (VCV002650993.26), dbSNP rs746225322, ClinGen allele CA1681969.